The following is an entry in ClinVar:

ClinVar aggregate classification (germline): Benign. Review status: criteria provided, multiple submitters, no conflicts (2 of 4 stars). 7 submissions from 7 submitters: Benign (6). 1 of the submissions does not count toward it. Last evaluated 2026-02-04.

Conditions:
Joubert syndrome 20 (JBTS20). Identifiers: Orphanet 475, MedGen C3554235, MONDO:0013994, OMIM 614970.
Meckel syndrome, type 11 (MKS11). Identifiers: Orphanet 564, MedGen C3809352, MONDO:0014164, OMIM 615397.

Allele frequency attached by ClinVar (database versions not stated): TOPMed 0.24866; 1000 Genomes Project 30x 0.25156; 1000 Genomes Project 0.25499; ESP Exome Variant Server 0.25714; gnomAD 0.27293.
gnomAD v4.1: 405,764 of 1,603,564 alleles (25%); highest among the groups gnomAD compares: African/African-American, 28%; 52,565 homozygotes.

Submissions (7):

Labcorp Genetics (formerly Invitae), Labcorp
Classification: Benign for Joubert syndrome 20; Meckel syndrome, type 11. Last evaluated: 2026-02-04. Review status: criteria provided, single submitter. Criteria: Invitae Variant Classification Sherloc (09022015). Collection method: clinical testing. Allele origin: germline.

Blueprint Genetics
Classification: Benign. Last evaluated: 2024-11-28. Review status: criteria provided, single submitter. Criteria: ACMG Guidelines, 2015. Collection method: clinical testing. Allele origin: germline.

Genome Diagnostics Laboratory, University Medical Center Utrecht
Classification: Benign for Joubert syndrome 20. Last evaluated: 2017-07-28. Review status: criteria provided, single submitter. Criteria: ACGS Guidelines, 2013. Collection method: clinical testing. Allele origin: germline. Affected: yes. Study: VKGL Data-share Consensus.

GeneDx
Classification: Benign. Last evaluated: 2016-01-22. Review status: criteria provided, single submitter. Criteria: GeneDx Variant Classification (06012015). Collection method: clinical testing. Allele origin: germline. Affected: yes.
Comment: This variant is considered likely benign or benign based on one or more of the following criteria: it is a conservative change, it occurs at a poorly conserved position in the protein, it is predicted to be benign by multiple in silico algorithms, and/or has population frequency not consistent with disease.

Breakthrough Genomics
Classification: Benign. Review status: criteria provided, single submitter. Criteria: ACMG Guidelines, 2015. Collection method: not provided. Allele origin: germline. Inheritance: Autosomal recessive inheritance. Affected: yes.

PreventionGenetics, part of Exact Sciences
Classification: Benign. Review status: criteria provided, single submitter. Criteria: ACMG Guidelines, 2015. Collection method: clinical testing. Allele origin: germline.

Diagnostic Laboratory, Department of Genetics, University Medical Center Groningen
Classification: Benign for Joubert syndrome 20. Review status: no assertion criteria provided. Collection method: clinical testing. Allele origin: germline. Affected: yes. Study: VKGL Data-share Consensus. Not counted in ClinVar's aggregate classification.

NM_001077418.3(TMEM231):c.582+17T>A

Gene: TMEM231 (transmembrane protein 231; minus strand). Cytogenetic location: 16q23.1.
Variant type: single nucleotide variant.
Coding change: c.582+17T>A on transcript NM_001077418.3 (MANE Select); 17 bases into the intron after coding-DNA position 582, T replaced by A.
Molecular consequence: intron variant.
Genome position (GRCh38, 1-based): chr16:75,545,335, A>T on the plus strand (T>A on the coding strand, the complement: TMEM231 is on the minus strand). VCF-style: chr16-75545335-A-T. GRCh37 (hg19) VCF-style: chr16-75579233-A-T.
Other names: c.741+17T>A (NM_001077416.2).
Identifiers: ClinVar variation 257331 (VCV000257331.13), dbSNP rs2738801, ClinGen allele CA8176140.